The following is an entry in ClinVar:

ClinVar aggregate classification (germline): Uncertain significance (1 of 4 stars; one submission).

Allele frequency attached by ClinVar (database versions not stated): TOPMed 0.00001.

Submission:

Labcorp Genetics (formerly Invitae), Labcorp
Classification: Uncertain significance. Last evaluated: 2025-10-23. Review status: criteria provided, single submitter. Criteria: Invitae Variant Classification Sherloc (09022015). Collection method: clinical testing. Allele origin: germline.
Comment: This sequence change replaces glycine, which is neutral and non-polar, with alanine, which is neutral and non-polar, at codon 37 of the MYH14 protein (p.Gly37Ala). This variant is present in population databases (rs775864924, gnomAD 0.02%). This variant has not been reported in the literature in individuals affected with MYH14-related conditions. ClinVar contains an entry for this variant (Variation ID: 2903272). An algorithm developed to predict the effect of missense changes on protein structure and function (PolyPhen-2) suggests that this variant is likely to be tolerated. In summary, the available evidence is currently insufficient to determine the role of this variant in disease. Therefore, it has been classified as a Variant of Uncertain Significance.

NM_001145809.2(MYH14):c.110G>C (p.Gly37Ala)

Gene: MYH14 (myosin heavy chain 14; plus strand). Cytogenetic location: 19q13.33.
Variant type: single nucleotide variant.
Coding change: c.110G>C on transcript NM_001145809.2 (MANE Select); coding-DNA position 110, G replaced by C.
Protein change: p.Gly37Ala; replaces glycine 37 with alanine.
Molecular consequence: missense variant.
Genome position (GRCh38, 1-based): chr19:50,210,475, G>C. VCF-style: chr19-50210475-G-C. GRCh37 (hg19) VCF-style: chr19-50713732-G-C.
Other names: c.110G>C, p.Gly37Ala (NM_001077186.2, NM_024729.4); short protein forms G37A.
Identifiers: ClinVar variation 2903272 (VCV002903272.3), dbSNP rs775864924, ClinGen allele CA9592193.